The following is an entry in ClinVar:

ClinVar aggregate classification (germline): Likely pathogenic (1 of 4 stars; one submission).

Conditions:
Cardiovascular phenotype. Identifiers: MedGen CN230736.

Submission:

Ambry Genetics
Classification: Likely pathogenic for Cardiovascular phenotype. Last evaluated: 2023-03-06. Review status: criteria provided, single submitter. Criteria: Ambry Variant Classification Scheme 2023. Collection method: clinical testing. Allele origin: germline.
Comment: The c.75647dupT variant, located in coding exon 185 of the TTN gene, results from a duplication of T at nucleotide position 75647, causing a translational frameshift with a predicted alternate stop codon (p.T25217Nfs*12). This exon is located in the M-band region of the N2-B isoform of the titin protein and is constitutively expressed in TTN transcripts (percent spliced in or PSI 100%). This variant is considered to be rare based on population cohorts in the Genome Aggregation Database (gnomAD). This alteration is expected to result in loss of function by premature protein truncation or nonsense-mediated mRNA decay. While truncating variants in TTN are present in 1-3% of the general population, truncating variants in the M-band have been reported in association with autosomal recessive titinopathies, primarily presenting with skeletal myopathy phenotypes (Ceyhan-Birsoy O et al. Neurology. 2013 Oct 1;81(14):1205-14; De Cid R et al. Neurology. 2015;85(24):2126-35). In addition, regardless of their position, TTN truncating variants encoded in constitutive exons (PSI >90%) have been found to be significantly associated with dilated cardiomyopathy (DCM), though truncating variants in the A-band are the most common cause of DCM (Herman DS et al. N. Engl. J. Med., 2012 Feb;366:619-28; Roberts AM et al. Sci Transl Med, 2015 Jan;7:270ra6; Schafer S et al. Nat. Genet., 2017 01;49:46-53). Based on the majority of available evidence to date, this variant is likely to be pathogenic in association with autosomal recessive titinopathy; however, the clinical significance of this alteration with respect to cardiomyopathy remains unclear.

NM_001267550.2(TTN):c.102842dup (p.Thr34282fs)

Genes: TTN (titin; minus strand), TTN-AS1 (TTN antisense RNA 1; plus strand). Cytogenetic location: 2q31.2.
Variant type: Duplication.
Coding change: c.102842dup on transcript NM_001267550.2 (MANE Select); coding-DNA position 102842, one base duplicated (T; older notation c.102842dupT).
Protein change: p.Thr34282fs; shifts the reading frame from threonine 34282.
Molecular consequence: frameshift variant.
Genome position (GRCh38, 1-based): chr2:178,533,773, A duplicated on the plus strand (T on the coding strand, the reverse complement: TTN is on the minus strand). VCF-style (leftmost placement, unchanged base first): chr2-178533772-T-TA. GRCh37 (hg19) VCF-style: chr2-179398499-T-TA.
Other names: c.97919dup, p.Thr32641fs (NM_001256850.1); c.75647dup, p.Thr25217fs (NM_003319.4); c.95138dup, p.Thr31714fs (NM_133378.4); c.76022dup, p.Thr25342fs (NM_133432.3); c.76223dup, p.Thr25409fs (NM_133437.4); c.75647dupT (NM_003319.4); short protein forms T25217fs, T25342fs, T25409fs, T31714fs, T32641fs, T34282fs.
Identifiers: ClinVar variation 3223355 (VCV003223355.1), dbSNP rs2468507391, ClinGen allele CA2577170325.